The following is an entry in ClinVar:

ClinVar aggregate classification (germline): Pathogenic (1 of 4 stars; one submission).

Submission:

Labcorp Genetics (formerly Invitae), Labcorp
Classification: Pathogenic. Last evaluated: 2021-10-14. Review status: criteria provided, single submitter. Criteria: Invitae Variant Classification Sherloc (09022015). Collection method: clinical testing. Allele origin: germline.
Comment: This sequence change creates a premature translational stop signal (p.Gln2535Argfs*43) in the NSD1 gene. While this is not anticipated to result in nonsense mediated decay, it is expected to disrupt the last 162 amino acid(s) of the NSD1 protein. This variant is not present in population databases (ExAC no frequency). This variant has not been reported in the literature in individuals affected with NSD1-related conditions. This variant disrupts a region of the NSD1 protein in which other variant(s) (p.Glu2564*) have been determined to be pathogenic (Invitae). This suggests that this is a clinically significant region of the protein, and that variants that disrupt it are likely to be disease-causing. For these reasons, this variant has been classified as Pathogenic.

NM_022455.5(NSD1):c.7603del (p.Gln2535fs)

Gene: NSD1 (nuclear receptor binding SET domain protein 1; plus strand). Cytogenetic location: 5q35.3.
Variant type: Deletion.
Coding change: c.7603del on transcript NM_022455.5 (MANE Select); coding-DNA position 7603, one base deleted (C; older notation c.7603delC).
Protein change: p.Gln2535fs; shifts the reading frame from glutamine 2535.
Molecular consequence: frameshift variant.
Genome position (GRCh38, 1-based): chr5:177,294,971, C deleted; the last of 3 consecutive C bases (chr5:177,294,969-177,294,971); deleting any one gives the same sequence. VCF-style (leftmost placement, unchanged base first): chr5-177294968-AC-A. GRCh37 (hg19) VCF-style: chr5-176721969-AC-A.
Other names: c.6730delC, p.Gln2244Argfs (NM_001365684.2, NM_001409308.1, NM_172349.5); c.7603delC, p.Gln2535Argfs (NM_001409301.1, NM_001409302.1, NM_001409303.1); c.7183delC, p.Gln2395Argfs (NM_001409304.1); c.6850delC, p.Gln2284Argfs (NM_001409305.1); c.6841delC, p.Gln2281Argfs (NM_001409306.1, NM_001409307.1); c.6481delC, p.Gln2161Argfs (NM_001409309.1); short protein forms Q2535fs, Q2266fs.
Identifiers: ClinVar variation 1408452 (VCV001408452.6), dbSNP rs2127283690, ClinGen allele CA2573139469.